The following is an entry in ClinVar:

NM_001197104.2(KMT2A):c.3094G>T (p.Ala1032Ser)

Gene: KMT2A (lysine methyltransferase 2A; plus strand). Cytogenetic location: 11q23.3.
Variant type: single nucleotide variant.
Coding change: c.3094G>T on transcript NM_001197104.2 (MANE Select); coding-DNA position 3094, G replaced by T.
Protein change: p.Ala1032Ser; replaces alanine 1032 with serine.
Molecular consequence: missense variant.
Genome position (GRCh38, 1-based): chr11:118,474,253, G>T. VCF-style: chr11-118474253-G-T. GRCh37 (hg19) VCF-style: chr11-118344968-G-T.
Other names: c.3094G>T, p.Ala1032Ser (NM_005933.4); short protein forms A1032S.
Identifiers: ClinVar variation 1027821 (VCV001027821.2), dbSNP rs1949994505, ClinGen allele CA382819903.

ClinVar aggregate classification (germline): Uncertain significance. Review status: criteria provided, multiple submitters, no conflicts (2 of 4 stars). 2 submissions from 2 submitters: Uncertain significance (2). Last evaluated 2024-03-25.

Conditions:
Wiedemann-Steiner syndrome (WDSTS). Also called: Growth deficiency and mental retardation with facial dysmorphism. Identifiers: Orphanet 319182, MedGen C1854630, MONDO:0011518, OMIM 605130.

Submissions (2):

Genomic Medicine Center of Excellence, King Faisal Specialist Hospital and Research Centre
Classification: Uncertain significance for Wiedemann-Steiner syndrome. Last evaluated: 2024-03-25. Review status: criteria provided, single submitter. Criteria: ACMG Guidelines, 2015. Collection method: clinical testing. Allele origin: germline.

Baylor Genetics
Classification: Uncertain significance for Wiedemann-Steiner syndrome. Last evaluated: 2020-06-08. Review status: criteria provided, single submitter. Criteria: ACMG Guidelines, 2015. Collection method: clinical testing. Allele origin: unknown. Affected: yes.
Comment: This variant was determined to be of uncertain significance according to ACMG Guidelines, 2015 [PMID:25741868].